The following is an entry in ClinVar:

NM_001458.5(FLNC):c.6888C>G (p.His2296Gln)

Genes: FLNC-AS1 (FLNC antisense RNA 1; minus strand), FLNC (filamin C; plus strand). Cytogenetic location: 7q32.1.
Variant type: single nucleotide variant.
Coding change: c.6888C>G on transcript NM_001458.5 (MANE Select); coding-DNA position 6888, C replaced by G.
Protein change: p.His2296Gln; replaces histidine 2296 with glutamine.
Molecular consequence: missense variant.
Genome position (GRCh38, 1-based): chr7:128,854,573, C>G. VCF-style: chr7-128854573-C-G. GRCh37 (hg19) VCF-style: chr7-128494627-C-G.
Other names: c.6789C>G, p.His2263Gln (NM_001127487.2); short protein forms H2263Q, H2296Q.
Identifiers: ClinVar variation 3756562 (VCV003756562.2).

ClinVar aggregate classification (germline): Uncertain significance (1 of 4 stars; one submission).

Conditions:
Distal myopathy with posterior leg and anterior hand involvement. Also called: WILLIAMS DISTAL MYOPATHY. Identifiers: Orphanet 63273, MedGen C3279722, MONDO:0013550, OMIM 614065.
Hypertrophic cardiomyopathy 26. Also called: Cardiomyopathy, familial hypertrophic, 26. Identifiers: Orphanet 75249, MedGen C4310749, MONDO:0014883, OMIM 617047.
Myofibrillar myopathy 5. Also called: Filaminopathy (type); FILAMINOPATHY, AUTOSOMAL DOMINANT. Identifiers: Orphanet 171445, MedGen C1836050, MONDO:0012289, OMIM 609524.

Submission:

Labcorp Genetics (formerly Invitae), Labcorp
Classification: Uncertain significance for Distal myopathy with posterior leg and anterior hand involvement; Myofibrillar myopathy 5; Hypertrophic cardiomyopathy 26. Last evaluated: 2024-12-18. Review status: criteria provided, single submitter. Criteria: Invitae Variant Classification Sherloc (09022015). Collection method: clinical testing. Allele origin: germline.
Comment: This sequence change replaces histidine, which is basic and polar, with glutamine, which is neutral and polar, at codon 2296 of the FLNC protein (p.His2296Gln). This variant is not present in population databases (gnomAD no frequency). This variant has not been reported in the literature in individuals affected with FLNC-related conditions. Invitae Evidence Modeling of protein sequence and biophysical properties (such as structural, functional, and spatial information, amino acid conservation, physicochemical variation, residue mobility, and thermodynamic stability) indicates that this missense variant is not expected to disrupt FLNC protein function with a negative predictive value of 95%. In summary, the available evidence is currently insufficient to determine the role of this variant in disease. Therefore, it has been classified as a Variant of Uncertain Significance.